The following is an entry in ClinVar:

NM_000051.4(ATM):c.2677C>T (p.Gln893Ter)

Gene: ATM (ATM serine/threonine kinase; plus strand). Cytogenetic location: 11q22.3.
Variant type: single nucleotide variant.
Coding change: c.2677C>T on transcript NM_000051.4 (MANE Select); coding-DNA position 2677, C replaced by T.
Protein change: p.Gln893Ter; replaces glutamine 893 with a stop codon.
Molecular consequence: nonsense.
Genome position (GRCh38, 1-based): chr11:108,268,448, C>T. VCF-style: chr11-108268448-C-T. GRCh37 (hg19) VCF-style: chr11-108139175-C-T.
Other names: c.2677C>T, p.Gln893Ter (NM_001351834.2); short protein forms Q893*.
Identifiers: ClinVar variation 524364 (VCV000524364.9), dbSNP rs1555083131, ClinGen allele CA382545129.
Genomic context (GRCh38, chr11:108,268,448, plus strand): 5'-AATGAGTGCTTTTTATTTTTAGGTGCCATTAATCCTTTAGCTGAAGAATATCTGTCAAAG[C>T]AAGATCTACTTTTCTTAGACATGCTCAAGTTCTTGTGTTTGTGTGTAACTACTGCTCAGA-3'

ClinVar aggregate classification (germline): Pathogenic. Review status: criteria provided, multiple submitters, no conflicts (2 of 4 stars). 3 submissions from 3 submitters: Pathogenic (3). Last evaluated 2025-04-10.

Conditions:
Hereditary cancer-predisposing syndrome. Also called: Neoplastic Syndromes, Hereditary; Tumor predisposition; Hereditary Cancer Syndrome; Hereditary neoplastic syndrome. Identifiers: Orphanet 140162, MedGen C0027672, MeSH D009386, MONDO:0015356.
Familial cancer of breast. Also called: hereditary breast carcinoma; BREAST CANCER, FAMILIAL; Hereditary breast cancer. Identifiers: Orphanet 227535, MedGen C0346153, MONDO:0016419, OMIM 114480. Disease mechanism: loss of function.
Ataxia-telangiectasia syndrome (AT). Also called: ATAXIA-TELANGIECTASIA, COMPLEMENTATION GROUP A; ATAXIA-TELANGIECTASIA, FRESNO VARIANT; Ataxia-telangiectasia; Ataxia-telangiectasia, complementation group D; AT, COMPLEMENTATION GROUP C; Ataxia-telangiectasia, complementation group E. Identifiers: Orphanet 100, MedGen C0004135, MONDO:0008840, OMIM 208900.

Allele frequency attached by ClinVar (database versions not stated): gnomAD exomes below 0.00001.
gnomAD v4.1: 1 of 1,613,950 alleles (0.000062%); highest among the groups gnomAD compares: Non-Finnish European, 0.000085%; no homozygotes.

Submissions (3):

Labcorp Genetics (formerly Invitae), Labcorp
Classification: Pathogenic for Ataxia-telangiectasia syndrome. Last evaluated: 2025-04-10. Review status: criteria provided, single submitter. Criteria: Invitae Variant Classification Sherloc (09022015). Collection method: clinical testing. Allele origin: germline.
Comment: This sequence change creates a premature translational stop signal (p.Gln893*) in the ATM gene. It is expected to result in an absent or disrupted protein product. Loss-of-function variants in ATM are known to be pathogenic (PMID: 23807571, 25614872). This variant is not present in population databases (gnomAD no frequency). This variant has not been reported in the literature in individuals affected with ATM-related conditions. ClinVar contains an entry for this variant (Variation ID: 524364). Algorithms developed to predict the effect of sequence changes on RNA splicing suggest that this variant may disrupt the consensus splice site. For these reasons, this variant has been classified as Pathogenic.

Baylor Genetics
Classification: Pathogenic for Familial cancer of breast. Last evaluated: 2023-10-26. Review status: criteria provided, single submitter. Criteria: ACMG Guidelines, 2015. Collection method: clinical testing. Allele origin: unknown.

Ambry Genetics
Classification: Pathogenic for Hereditary cancer-predisposing syndrome. Last evaluated: 2020-02-04. Review status: criteria provided, single submitter. Criteria: Ambry Variant Classification Scheme 2023. Collection method: clinical testing. Allele origin: germline.
Comment: The p.Q893* pathogenic mutation (also known as c.2677C>T), located in coding exon 17 of the ATM gene, results from a C to T substitution at nucleotide position 2677. This changes the amino acid from a glutamine to a stop codon within coding exon 17. This alteration is expected to result in loss of function by premature protein truncation or nonsense-mediated mRNA decay. As such, this alteration is interpreted as a disease-causing mutation.

Literature cited by the submitters: PubMed 23807571 (cited by Labcorp Genetics (formerly Invitae), Labcorp); PubMed 25614872 (cited by Labcorp Genetics (formerly Invitae), Labcorp).